The following is an entry in ClinVar:

ClinVar aggregate classification (germline): Uncertain significance. Review status: criteria provided, multiple submitters, no conflicts (2 of 4 stars). 3 submissions from 3 submitters: Uncertain significance (3). Last evaluated 2024-01-23.

Conditions:
Inborn genetic diseases. Identifiers: MedGen C0950123, MeSH D030342.
Combined immunodeficiency due to LRBA deficiency. Also called: Common variable immunodeficiency 8, with autoimmunity. Identifiers: Orphanet 445018, MedGen C3553512, MONDO:0013863, OMIM 614700.

Allele frequency attached by ClinVar (database versions not stated): gnomAD 0.00001 and 0.00002; TOPMed 0.00001; gnomAD exomes 0.00002.
gnomAD v4.1: 24 of 1,612,666 alleles (0.0015%); highest among the groups gnomAD compares: Admixed American, 0.0033%; no homozygotes.

Submissions (3):

Ambry Genetics
Classification: Uncertain significance for Inborn genetic diseases. Last evaluated: 2024-01-23. Review status: criteria provided, single submitter. Criteria: Ambry Variant Classification Scheme 2023. Collection method: clinical testing. Allele origin: germline.

Labcorp Genetics (formerly Invitae), Labcorp
Classification: Uncertain significance for Combined immunodeficiency due to LRBA deficiency. Last evaluated: 2021-10-16. Review status: criteria provided, single submitter. Criteria: Invitae Variant Classification Sherloc (09022015). Collection method: clinical testing. Allele origin: germline.
Comment: In summary, the available evidence is currently insufficient to determine the role of this variant in disease. Therefore, it has been classified as a Variant of Uncertain Significance. Algorithms developed to predict the effect of missense changes on protein structure and function are either unavailable or do not agree on the potential impact of this missense change (SIFT: "Tolerated"; PolyPhen-2: "Probably Damaging"; Align-GVGD: "Class C0"). ClinVar contains an entry for this variant (Variation ID: 1176174). This variant has not been reported in the literature in individuals affected with LRBA-related conditions. This variant is not present in population databases (ExAC no frequency). This sequence change replaces arginine with glutamine at codon 2348 of the LRBA protein (p.Arg2348Gln). The arginine residue is weakly conserved and there is a small physicochemical difference between arginine and glutamine.

CeGaT Center for Human Genetics Tuebingen
Classification: Uncertain significance. Last evaluated: 2021-06-01. Review status: criteria provided, single submitter. Criteria: CeGaT Center For Human Genetics Tuebingen Variant Classification Criteria Version 2. Collection method: clinical testing. Allele origin: germline. Affected: yes. Observed: 1 variant allele.

NM_001364905.1(LRBA):c.7010G>A (p.Arg2337Gln)

Gene: LRBA (LPS responsive beige-like anchor protein; minus strand). Cytogenetic location: 4q31.3.
Variant type: single nucleotide variant.
Coding change: c.7010G>A on transcript NM_001364905.1 (MANE Select); coding-DNA position 7010, G replaced by A.
Protein change: p.Arg2337Gln; replaces arginine 2337 with glutamine.
Molecular consequence: missense variant.
Genome position (GRCh38, 1-based): chr4:150,435,620, C>T on the plus strand (G>A on the coding strand, the complement: LRBA is on the minus strand). VCF-style: chr4-150435620-C-T. GRCh37 (hg19) VCF-style: chr4-151356772-C-T.
Other names: c.7010G>A, p.Arg2337Gln (NM_001199282.3, NM_001367550.1); c.7043G>A, p.Arg2348Gln (NM_006726.5); short protein forms R2337Q, R2348Q.
Identifiers: ClinVar variation 1176174 (VCV001176174.41), dbSNP rs1198087317, ClinGen allele CA358600058.